The following is an entry in ClinVar:

ClinVar aggregate classification (germline): Likely benign (1 of 4 stars; one submission).

Submission:

GeneDx
Classification: Likely benign. Last evaluated: 2016-02-08. Review status: criteria provided, single submitter. Criteria: GeneDx Variant Classification (06012015). Collection method: clinical testing. Allele origin: germline. Affected: yes.
Comment: This variant is considered likely benign or benign based on one or more of the following criteria: it is a conservative change, it occurs at a poorly conserved position in the protein, it is predicted to be benign by multiple in silico algorithms, and/or has population frequency not consistent with disease.

NM_182961.4(SYNE1):c.23146-16T>A

Gene: SYNE1 (spectrin repeat containing nuclear envelope protein 1; minus strand). Cytogenetic location: 6q25.2.
Variant type: single nucleotide variant.
Coding change: c.23146-16T>A on transcript NM_182961.4 (MANE Select); 16 bases into the intron before coding-DNA position 23146, T replaced by A.
Molecular consequence: intron variant.
Genome position (GRCh38, 1-based): chr6:152,189,423, A>T on the plus strand (T>A on the coding strand, the complement: SYNE1 is on the minus strand). VCF-style: chr6-152189423-A-T. GRCh37 (hg19) VCF-style: chr6-152510558-A-T.
Other names: c.22933-16T>A (NM_033071.5).
Identifiers: ClinVar variation 382741 (VCV000382741.1), dbSNP rs1057521440, ClinGen allele CA16604880.